The following is an entry in ClinVar:

NM_177438.3(DICER1):c.5396_5397del (p.Glu1799fs)

Gene: DICER1 (dicer 1, ribonuclease III; minus strand). Cytogenetic location: 14q32.13.
Variant type: Deletion.
Coding change: c.5396_5397del on transcript NM_177438.3 (MANE Select); coding-DNA positions 5396 to 5397, 2 bases deleted (AA; older notation c.5396_5397delAA).
Protein change: p.Glu1799fs; shifts the reading frame from glutamic acid 1799.
Molecular consequence: frameshift variant. On other transcripts: intron variant (1).
Genome position (GRCh38, 1-based): chr14:95,091,333-95,091,334, TT deleted on the plus strand (AA on the coding strand, the reverse complement: DICER1 is on the minus strand). VCF-style (leftmost placement, unchanged base first): chr14-95091332-CTT-C. GRCh37 (hg19) VCF-style: chr14-95557669-CTT-C.
Other names: c.5396_5397del, p.Glu1799fs (NM_001271282.3, NM_001291628.2, NM_030621.4); c.5365-225_5365-224del (NM_001195573.1); short protein forms E1799fs.
Identifiers: ClinVar variation 942545 (VCV000942545.9), dbSNP rs1889814539, ClinGen allele CA1139663687.

ClinVar aggregate classification (germline): Pathogenic (1 of 4 stars; one submission).

Conditions:
DICER1-related tumor predisposition. Also called: DICER1-related pleuropulmonary blastoma cancer predisposition syndrome; DICER1 syndrome. Identifiers: Orphanet 284343, MedGen C3839822, MONDO:0100216.

Submission:

Labcorp Genetics (formerly Invitae), Labcorp
Classification: Pathogenic for DICER1-related tumor predisposition. Last evaluated: 2024-06-18. Review status: criteria provided, single submitter. Criteria: Invitae Variant Classification Sherloc (09022015). Collection method: clinical testing. Allele origin: germline.
Comment: This sequence change creates a premature translational stop signal (p.Glu1799Glyfs*4) in the DICER1 gene. It is expected to result in an absent or disrupted protein product. Loss-of-function variants in DICER1 are known to be pathogenic (PMID: 19556464, 21266384). This variant is not present in population databases (gnomAD no frequency). This variant has not been reported in the literature in individuals affected with DICER1-related conditions. ClinVar contains an entry for this variant (Variation ID: 942545). Algorithms developed to predict the effect of sequence changes on RNA splicing suggest that this variant may disrupt the consensus splice site. For these reasons, this variant has been classified as Pathogenic.

Literature cited by the submitters: PubMed 19556464; PubMed 21266384.